The following is an entry in ClinVar:

ClinVar aggregate classification (germline): Benign (0 of 4 stars; one submission).

Conditions:
TCF7L2-related disorder. Also called: TCF7L2-related condition.

Allele frequency attached by ClinVar (database versions not stated): gnomAD 0.00041; 1000 Genomes Project 30x 0.00141; 1000 Genomes Project 0.00180.
gnomAD v4.1: 627 of 1,510,280 alleles (0.042%); highest among the groups gnomAD compares: East Asian, 1.5%; 5 homozygotes.

Submission:

PreventionGenetics, part of Exact Sciences
Classification: Benign for TCF7L2-related condition. Last evaluated: 2019-04-16. Review status: no assertion criteria provided. Collection method: clinical testing. Allele origin: germline.
Comment: This variant is classified as benign based on ACMG/AMP sequence variant interpretation guidelines (Richards et al. 2015 PMID: 25741868, with internal and published modifications).

NM_001367943.1(TCF7L2):c.1570G>A (p.Ala524Thr)

Gene: TCF7L2 (transcription factor 7 like 2; plus strand). Cytogenetic location: 10q25.3.
Variant type: single nucleotide variant.
Coding change: c.1570G>A on transcript NM_001367943.1 (MANE Select); coding-DNA position 1570, G replaced by A.
Protein change: p.Ala524Thr; replaces alanine 524 with threonine.
Molecular consequence: missense variant. On other transcripts: 3 prime UTR variant (12).
Genome position (GRCh38, 1-based): chr10:113,165,682, G>A. VCF-style: chr10-113165682-G-A. GRCh37 (hg19) VCF-style: chr10-114925441-G-A.
Other names: c.1519G>A, p.Ala507Thr (NM_001146274.2); c.*48G>A (NM_001146283.2, NM_001146284.2, NM_001146286.2 and 4 more transcripts); c.1450G>A, p.Ala484Thr (NM_001146285.2, NM_001198526.2); c.*158G>A (NM_001198525.2); c.*146G>A (NM_001198527.2, NM_001198528.2, NM_001349870.2 and 1 more transcripts); c.1501G>A, p.Ala501Thr (NM_030756.5); short protein forms A484T, A501T, A507T, A524T.
Identifiers: ClinVar variation 3059087 (VCV003059087.2), dbSNP rs138649767, ClinGen allele CA5693291.
Genomic context (GRCh38, chr10:113,165,682, plus strand): 5'-GGAAGCTTACTAGATTCGCCTCCCCCCTCCCCGAACCTGCTAGGCTCCCCTCCCCGAGAC[G>A]CCAAGTCACAGACTGAGCAGACCCAGCCTCTGTCGCTGTCCCTGAAGCCCGACCCCCTGG-3'
Protein context (NP_001354872.1, residues 514-534): PNLLGSPPRD[Ala524Thr]KSQTEQTQPL